The following is an entry in ClinVar:

NM_000135.4(FANCA):c.1550G>A (p.Arg517Gln)

Gene: FANCA (FA complementation group A; minus strand). Cytogenetic location: 16q24.3.
Variant type: single nucleotide variant.
Coding change: c.1550G>A on transcript NM_000135.4 (MANE Select); coding-DNA position 1550, G replaced by A.
Protein change: p.Arg517Gln; replaces arginine 517 with glutamine.
Molecular consequence: missense variant.
Genome position (GRCh38, 1-based): chr16:89,783,023, C>T on the plus strand (G>A on the coding strand, the complement: FANCA is on the minus strand). VCF-style: chr16-89783023-C-T. GRCh37 (hg19) VCF-style: chr16-89849431-C-T.
Other names: p.Arg517Gln; c.1550G>A, p.Arg517Gln (NM_001286167.3); short protein forms R517Q.
Identifiers: ClinVar variation 1692203 (VCV001692203.2), dbSNP rs1050329686, ClinGen allele CA286579097.

ClinVar aggregate classification (germline): Uncertain significance. Review status: criteria provided, multiple submitters, no conflicts (2 of 4 stars). 2 submissions from 2 submitters: Uncertain significance (2). Last evaluated 2025-12-09.

Conditions:
Fanconi anemia (FA). Also called: Fanconi's anemia. Identifiers: Orphanet 84, MedGen C0015625, MeSH D005199, MONDO:0019391.

Allele frequency attached by ClinVar (database versions not stated): gnomAD 0.00001; gnomAD exomes 0.00001; TOPMed 0.00001.

Submissions (2):

Mayo Clinic Laboratories, Mayo Clinic
Classification: Uncertain significance. Last evaluated: 2025-12-09. Review status: criteria provided, single submitter. Criteria: ACMG Guidelines, 2015. Collection method: clinical testing. Allele origin: germline. Observed: 1 variant allele.

Sema4
Classification: Uncertain significance for Fanconi anemia. Last evaluated: 2021-12-29. Review status: criteria provided, single submitter. Criteria: Sema4 Curation Guidelines. Collection method: curation. Allele origin: germline.
Comment: The FANCA c.1550G>A (p.R517Q) variant has been reported in heterozygosity in at least one individuals with ovarian cancer (PMID: 32546565). It was observed in 2/30616 chromosomes of the South Asian subpopulation in the large and broad cohorts of the Genome Aggregation Database (PMID: 32461654). The variant has not been reported in ClinVar. Functional studies have not been performed, and in silico predictions of the variant's effect on protein function are inconclusive. The evidence is insufficient to meet ACMG/AMP criteria for classifying the variant as benign or pathogenic. Thus, the clinical significance of this variant is currently uncertain.

Literature cited by the submitters: PubMed 32546565 (cited by Mayo Clinic Laboratories, Mayo Clinic and Sema4).